The following is an entry in ClinVar:

ClinVar aggregate classification (germline): Conflicting classifications of pathogenicity. Review status: criteria provided, conflicting classifications (1 of 4 stars). 4 submissions from 4 submitters: Uncertain significance (2); Likely benign (1). 1 of the submissions does not count toward it. Last evaluated 2025-09-15.

Conditions:
Autosomal recessive Alport syndrome (ATS2). Also called: Alport syndrome type 2; COL4A3-Related Nephropathy; ALPORT SYNDROME 2, AUTOSOMAL RECESSIVE; COL4A4 Alport Syndrome and Thin Basement Membrane Nephropathy. Identifiers: Orphanet 63, Orphanet 88919, MedGen C4746745, MONDO:0008762, OMIM 203780.
Hematuria, benign familial, 1 (BFH1). Also called: THIN MEMBRANE NEPHROPATHY. Identifiers: MedGen CN376803, MONDO:0007709, OMIM 141200.
Alport syndrome. Also called: Hemorrhagic familial nephritis; Hemorrhagic hereditary nephritis; Congenital hereditary hematuria. Identifiers: Orphanet 63, MedGen C1567741, MONDO:0018965.

Allele frequency attached by ClinVar (database versions not stated): ExAC 0.00002; gnomAD 0.00002; gnomAD exomes 0.00002 and 0.00008; TOPMed 0.00006.
gnomAD v4.1: 26 of 1,613,896 alleles (0.0016%); highest among the groups gnomAD compares: Admixed American, 0.042%; no homozygotes.

Submissions (4):

Labcorp Genetics (formerly Invitae), Labcorp
Classification: Likely benign. Last evaluated: 2025-09-15. Review status: criteria provided, single submitter. Criteria: Invitae Variant Classification Sherloc (09022015). Collection method: clinical testing. Allele origin: germline.

Fulgent Genetics
Classification: Uncertain significance for Hematuria, benign familial, 1; Autosomal recessive Alport syndrome. Last evaluated: 2024-04-20. Review status: criteria provided, single submitter. Criteria: ACMG Guidelines, 2015. Collection method: clinical testing. Allele origin: germline.

GeneDx
Classification: Uncertain significance. Last evaluated: 2021-06-09. Review status: criteria provided, single submitter. Criteria: GeneDx Variant Classification Process June 2021. Collection method: clinical testing. Allele origin: germline. Affected: yes.
Comment: In silico analysis supports that this missense variant does not alter protein structure/function; Has not been previously published as pathogenic or benign to our knowledge

Natera, Inc.
Classification: Uncertain significance for Alport syndrome. Last evaluated: 2020-02-21. Review status: no assertion criteria provided. Collection method: clinical testing. Allele origin: germline. Not counted in ClinVar's aggregate classification.

NM_000092.5(COL4A4):c.3355A>G (p.Arg1119Gly)

Gene: COL4A4 (collagen type IV alpha 4 chain; minus strand). Cytogenetic location: 2q36.3.
Variant type: single nucleotide variant.
Coding change: c.3355A>G on transcript NM_000092.5 (MANE Select); coding-DNA position 3355, A replaced by G.
Protein change: p.Arg1119Gly; replaces arginine 1119 with glycine.
Molecular consequence: missense variant.
Genome position (GRCh38, 1-based): chr2:227,043,119, T>C on the plus strand (A>G on the coding strand, the complement: COL4A4 is on the minus strand). VCF-style: chr2-227043119-T-C. GRCh37 (hg19) VCF-style: chr2-227907835-T-C.
Other names: short protein forms R1119G.
Identifiers: ClinVar variation 1191523 (VCV001191523.12), dbSNP rs778458961, ClinGen allele CA2144556.